The following is an entry in ClinVar:

NM_000465.4(BARD1):c.1906G>A (p.Val636Ile)

Gene: BARD1 (BRCA1 associated RING domain 1; minus strand). Cytogenetic location: 2q35.
Variant type: single nucleotide variant.
Coding change: c.1906G>A on transcript NM_000465.4 (MANE Select); coding-DNA position 1906, G replaced by A.
Protein change: p.Val636Ile; replaces valine 636 with isoleucine.
Molecular consequence: missense variant. On other transcripts: non-coding transcript variant (3).
Genome position (GRCh38, 1-based): chr2:214,730,506, C>T on the plus strand (G>A on the coding strand, the complement: BARD1 is on the minus strand). VCF-style: chr2-214730506-C-T. GRCh37 (hg19) VCF-style: chr2-215595230-C-T.
Other names: c.1849G>A, p.Val617Ile (NM_001282543.2); c.553G>A, p.Val185Ile (NM_001282545.2); c.496G>A, p.Val166Ile (NM_001282548.2); c.367G>A, p.Val123Ile (NM_001282549.2); short protein forms V636I, V166I, V185I, V123I, V617I.
Identifiers: ClinVar variation 482769 (VCV000482769.23), dbSNP rs1553612541, ClinGen allele CA350451343.

ClinVar aggregate classification (germline): Uncertain significance. Review status: criteria provided, multiple submitters, no conflicts (2 of 4 stars). 5 submissions from 5 submitters: Uncertain significance (5). Last evaluated 2025-10-25.

Conditions:
Familial cancer of breast. Also called: BREAST CANCER, FAMILIAL; Hereditary breast cancer; hereditary breast carcinoma. Identifiers: Orphanet 227535, MedGen C0346153, MONDO:0016419, OMIM 114480. Disease mechanism: loss of function.
Hereditary cancer-predisposing syndrome. Also called: Neoplastic Syndromes, Hereditary; Tumor predisposition; Hereditary Cancer Syndrome; Hereditary neoplastic syndrome. Identifiers: Orphanet 140162, MedGen C0027672, MeSH D009386, MONDO:0015356.

Allele frequency attached by ClinVar (database versions not stated): gnomAD exomes below 0.00001; TOPMed below 0.00001.
gnomAD v4.1: 2 of 1,613,074 alleles (0.00012%); highest among the groups gnomAD compares: Non-Finnish European, 0.00017%; no homozygotes.

Submissions (5):

Ambry Genetics
Classification: Uncertain significance for Hereditary cancer-predisposing syndrome. Last evaluated: 2025-10-25. Review status: criteria provided, single submitter. Criteria: Ambry Variant Classification Scheme 2023. Collection method: clinical testing. Allele origin: germline.
Comment: The p.V636I variant (also known as c.1906G>A), located in coding exon 10 of the BARD1 gene, results from a G to A substitution at nucleotide position 1906. The valine at codon 636 is replaced by isoleucine, an amino acid with highly similar properties. This alteration was detected in a cohort of 1663 Brazilian breast cancer patients who underwent hereditary multigene panel testing (Guindalini RSC et al. Sci Rep, 2022 Mar;12:4190). This amino acid position is highly conserved in available vertebrate species. In addition, this alteration is predicted to be tolerated by in silico analysis. Since supporting evidence is limited at this time, the clinical significance of this alteration remains unclear.

Labcorp Genetics (formerly Invitae), Labcorp
Classification: Uncertain significance for Familial cancer of breast. Last evaluated: 2025-07-07. Review status: criteria provided, single submitter. Criteria: Invitae Variant Classification Sherloc (09022015). Collection method: clinical testing. Allele origin: germline.
Comment: This sequence change replaces valine, which is neutral and non-polar, with isoleucine, which is neutral and non-polar, at codon 636 of the BARD1 protein (p.Val636Ile). This variant is not present in population databases (gnomAD no frequency). This missense change has been observed in individual(s) with breast cancer (PMID: 35264596). ClinVar contains an entry for this variant (Variation ID: 482769). An algorithm developed to predict the effect of missense changes on protein structure and function (PolyPhen-2) suggests that this variant is likely to be disruptive. In summary, the available evidence is currently insufficient to determine the role of this variant in disease. Therefore, it has been classified as a Variant of Uncertain Significance.

Baylor Genetics
Classification: Uncertain significance for Familial cancer of breast. Last evaluated: 2023-06-06. Review status: criteria provided, single submitter. Criteria: ACMG Guidelines, 2015. Collection method: clinical testing. Allele origin: unknown.

Color Diagnostics, LLC DBA Color Health
Classification: Uncertain significance for Hereditary cancer-predisposing syndrome. Last evaluated: 2019-11-18. Review status: criteria provided, single submitter. Criteria: ACMG Guidelines, 2015. Collection method: clinical testing. Allele origin: germline.
Comment: This missense variant replaces valine with isoleucine at codon 636 of the BARD1 protein. Computational prediction tool suggests that this variant may not impact protein structure and function (internally defined REVEL score threshold ≤0.5, PMID: 27666373). Splice site prediction tools suggest that this variant may not impact RNA splicing. To our knowledge, functional studies have not been performed for this variant. This variant has not been reported in individuals affected with hereditary cancer in the literature. This variant has not been identified in the general population by the Genome Aggregation Database (gnomAD). The available evidence is insufficient to determine the role of this variant in disease conclusively. Therefore, this variant is classified as a Variant of Uncertain Significance.

Mendelics
Classification: Uncertain significance for Familial cancer of breast. Last evaluated: 2018-07-02. Review status: criteria provided, single submitter. Criteria: Mendelics Assertion Criteria 2017. Collection method: clinical testing. Allele origin: unknown.

Literature cited by the submitters: PubMed 35264596 (cited by Ambry Genetics and Labcorp Genetics (formerly Invitae), Labcorp).